The following is an entry in ClinVar:

NM_052963.3(TOP1MT):c.1706G>A (p.Cys569Tyr)

Gene: TOP1MT (DNA topoisomerase I mitochondrial; minus strand). Cytogenetic location: 8q24.3.
Variant type: single nucleotide variant.
Coding change: c.1706G>A on transcript NM_052963.3 (MANE Select); coding-DNA position 1706, G replaced by A.
Protein change: p.Cys569Tyr; replaces cysteine 569 with tyrosine.
Molecular consequence: missense variant.
Genome position (GRCh38, 1-based): chr8:143,309,541, C>T on the plus strand (G>A on the coding strand, the complement: TOP1MT is on the minus strand). VCF-style: chr8-143309541-C-T. GRCh37 (hg19) VCF-style: chr8-144391711-C-T.
Other names: c.1412G>A, p.Cys471Tyr (NM_001258446.1, NM_001258447.1); short protein forms C471Y, C569Y.
Identifiers: ClinVar variation 2957203 (VCV002957203.3), dbSNP rs555135691, ClinGen allele CA4908114.

ClinVar aggregate classification (germline): Uncertain significance (1 of 4 stars; one submission).

Allele frequency attached by ClinVar (database versions not stated): 1000 Genomes Project 0.00020; TOPMed 0.00001; gnomAD 0.00002; gnomAD exomes 0.00002; 1000 Genomes Project 30x 0.00016; ExAC 0.00002.
gnomAD v4.1: 25 of 1,613,724 alleles (0.0015%); highest among the groups gnomAD compares: South Asian, 0.027%; no homozygotes.

Submission:

Labcorp Genetics (formerly Invitae), Labcorp
Classification: Uncertain significance. Last evaluated: 2025-09-04. Review status: criteria provided, single submitter. Criteria: Invitae Variant Classification Sherloc (09022015). Collection method: clinical testing. Allele origin: germline.
Comment: This sequence change replaces cysteine, which is neutral and slightly polar, with tyrosine, which is neutral and polar, at codon 569 of the TOP1MT protein (p.Cys569Tyr). This variant is present in population databases (rs555135691, gnomAD 0.02%). This variant has not been reported in the literature in individuals affected with TOP1MT-related conditions. ClinVar contains an entry for this variant (Variation ID: 2957203). An algorithm developed to predict the effect of missense changes on protein structure and function (PolyPhen-2) suggests that this variant is likely to be disruptive. In summary, the available evidence is currently insufficient to determine the role of this variant in disease. Therefore, it has been classified as a Variant of Uncertain Significance.